The following is an entry in ClinVar:

ClinVar aggregate classification (germline): Likely benign. Review status: criteria provided, single submitter (1 of 4 stars). 2 submissions from 2 submitters: Likely benign (1). 1 of the submissions does not count toward it. Last evaluated 2025-02-16.

Conditions:
ADA2-related disorder. Also called: ADA2-related condition.

Allele frequency attached by ClinVar (database versions not stated): TOPMed below 0.00001; gnomAD 0.00001; gnomAD exomes 0.00001; ExAC 0.00002.
gnomAD v4.1: 16 of 1,612,194 alleles (0.00099%); highest among the groups gnomAD compares: Admixed American, 0.0017%; no homozygotes.

Submissions (2):

Laboratory of Genetics, Children's Clinical University Hospital Latvia
Classification: Likely benign. Last evaluated: 2025-02-16. Review status: criteria provided, single submitter. Criteria: ACMG Guidelines, 2015. Collection method: clinical testing. Allele origin: germline. Affected: yes.

PreventionGenetics, part of Exact Sciences
Classification: Likely benign for ADA2-related condition. Last evaluated: 2023-09-29. Review status: no assertion criteria provided. Collection method: clinical testing. Allele origin: germline. Not counted in ClinVar's aggregate classification.
Comment: This variant is classified as likely benign based on ACMG/AMP sequence variant interpretation guidelines (Richards et al. 2015 PMID: 25741868, with internal and published modifications).

NM_001282225.2(ADA2):c.15C>T (p.Gly5=)

Gene: ADA2 (adenosine deaminase 2; minus strand). Cytogenetic location: 22q11.1.
Variant type: single nucleotide variant.
Coding change: c.15C>T on transcript NM_001282225.2 (MANE Select); coding-DNA position 15, C replaced by T.
Protein change: p.Gly5=; no amino-acid change (glycine 5 retained).
Molecular consequence: synonymous variant. On other transcripts: intron variant (3).
Genome position (GRCh38, 1-based): chr22:17,209,663, G>A on the plus strand (C>T on the coding strand, the complement: ADA2 is on the minus strand). VCF-style: chr22-17209663-G-A. GRCh37 (hg19) VCF-style: chr22-17690553-G-A.
Other names: c.15C>T, p.Gly5= (NM_001282226.2); c.-47-65C>T (NM_001282227.2, NM_001282228.2); c.-38-2373C>T (NM_001282229.2).
Identifiers: ClinVar variation 3046692 (VCV003046692.3), dbSNP rs765451096, ClinGen allele CA10088359.
Genomic context (GRCh38, chr22:17,209,663, plus strand): 5'-GCCGAAGAAAGACATTGCCACAGCCAACAGCAAGAAGCACAGGGCTGGCCGCTCAGATGG[G>A]CCATCCACCAACATCGGGATGCCTGGACTAGGAAAGGGCTCAGATGGAGACTCCACGGGA-3'
Protein context (NP_001269154.1, residues 1-15): MLVD[Gly5=]PSERPALCFL